The following is an entry in ClinVar:

ClinVar aggregate classification (germline): Uncertain significance (1 of 4 stars; one submission).

Allele frequency attached by ClinVar (database versions not stated): gnomAD 0.00005; TOPMed 0.00008.
gnomAD v4.1: 46 of 1,611,242 alleles (0.0029%); highest among the groups gnomAD compares: East Asian, 0.04%; no homozygotes.

Submissions (2):

Labcorp Genetics (formerly Invitae), Labcorp
Classification: Uncertain significance. Last evaluated: 2024-10-24. Review status: criteria provided, single submitter. Criteria: Invitae Variant Classification Sherloc (09022015). Collection method: clinical testing. Allele origin: germline.
Comment: This sequence change falls in intron 10 of the LAMA1 gene. It does not directly change the encoded amino acid sequence of the LAMA1 protein. It affects a nucleotide within the consensus splice site. This variant is present in population databases (rs767089378, gnomAD 0.05%), including at least one homozygous and/or hemizygous individual. This variant has not been reported in the literature in individuals affected with LAMA1-related conditions. Variants that disrupt the consensus splice site are a relatively common cause of aberrant splicing (PMID: 17576681, 9536098). Algorithms developed to predict the effect of sequence changes on RNA splicing suggest that this variant is not likely to affect RNA splicing. In summary, the available evidence is currently insufficient to determine the role of this variant in disease. Therefore, it has been classified as a Variant of Uncertain Significance.

Dr. Peter K. Rogan Lab, Western University
No classification provided (evidence only). Condition: Gastric cancer. Review status: no classification provided. Collection method: in vitro. Allele origin: not applicable. Functional consequence: retained intron. Not counted in ClinVar's aggregate classification.

Literature cited by the submitters: PubMed 17576681 (cited by Labcorp Genetics (formerly Invitae), Labcorp); PubMed 9536098 (cited by Labcorp Genetics (formerly Invitae), Labcorp).

NM_005559.4(LAMA1):c.1423-3C>T

Genes: LAMA1 (laminin subunit alpha 1; minus strand), LOC112543434 (P300/CBP strongly-dependent group 1 enhancer GRCh37_chr18:7038146-7039345; plus strand). Cytogenetic location: 18p11.31.
Variant type: single nucleotide variant.
Coding change: c.1423-3C>T on transcript NM_005559.4 (MANE Select); 3 bases into the intron before coding-DNA position 1423, C replaced by T.
Molecular consequence: intron variant.
Genome position (GRCh38, 1-based): chr18:7,038,953, G>A on the plus strand (C>T on the coding strand, the complement: LAMA1 is on the minus strand). VCF-style: chr18-7038953-G-A. GRCh37 (hg19) VCF-style: chr18-7038952-G-A.
Identifiers: ClinVar variation 2899067 (VCV002899067.3), dbSNP rs767089378, ClinGen allele CA8882988.
Genomic context (GRCh38, chr18:7,038,953, plus strand): 5'-CCTTCAAGTTATAGAATCCTGGCTTGCAGCGATCACAGGCCTTCCCCTCAACGTTTTCCT[G>A]TAAGTTAGGGTAAAAGATTAGCTTTTGAAACCAATGTGTCTGTCCAGAGAGAATAAAATG-3'